The following is an entry in ClinVar:

ClinVar aggregate classification (germline): Uncertain significance (1 of 4 stars; one submission).

Submission:

CeGaT Center for Human Genetics Tuebingen
Classification: Uncertain significance. Last evaluated: 2024-09-01. Review status: criteria provided, single submitter. Criteria: CeGaT Center For Human Genetics Tuebingen Variant Classification Criteria Version 2. Collection method: clinical testing. Allele origin: germline. Affected: yes. Observed: 1 variant allele.
Comment: CPAMD8: PM2

NM_015692.5(CPAMD8):c.343T>A (p.Phe115Ile)

Gene: CPAMD8 (C3 and PZP like alpha-2-macroglobulin domain containing 8; minus strand). Cytogenetic location: 19p13.11.
Variant type: single nucleotide variant.
Coding change: c.343T>A on transcript NM_015692.5 (MANE Select); coding-DNA position 343, T replaced by A.
Protein change: p.Phe115Ile; replaces phenylalanine 115 with isoleucine.
Molecular consequence: missense variant. On other transcripts: non-coding transcript variant (1).
Genome position (GRCh38, 1-based): chr19:17,011,682, A>T on the plus strand (T>A on the coding strand, the complement: CPAMD8 is on the minus strand). VCF-style: chr19-17011682-A-T. GRCh37 (hg19) VCF-style: chr19-17122492-A-T.
Other names: short protein forms F115I.
Identifiers: ClinVar variation 3389573 (VCV003389573.14).